The following is an entry in ClinVar:

ClinVar aggregate classification (germline): Uncertain significance. Review status: criteria provided, multiple submitters, no conflicts (2 of 4 stars). 2 submissions from 2 submitters: Uncertain significance (2). Last evaluated 2025-10-24.

Conditions:
Singleton-Merten syndrome 1 (SGMRT1). Also called: Syndrome of widened medullary cavities of the metacarpals and phalanges, aortic calcification and abnormal dentition; Widened medullary cavities of bone, aortic calcification, abnormal dentition, and muscular weakness. Identifiers: Orphanet 85191, MedGen C4225427, MONDO:0024535, OMIM 182250.
Aicardi-Goutieres syndrome 7 (AGS7). Identifiers: Orphanet 51, MedGen C3888244, MONDO:0014367, OMIM 615846.

Allele frequency attached by ClinVar (database versions not stated): gnomAD 0.00001; ESP Exome Variant Server 0.00008.
gnomAD v4.1: 18 of 1,613,738 alleles (0.0011%); highest among the groups gnomAD compares: Non-Finnish European, 0.0014%; no homozygotes.

Submissions (2):

Women's Health and Genetics/Laboratory Corporation of America, LabCorp
Classification: Uncertain significance. Last evaluated: 2025-10-24. Review status: criteria provided, single submitter. Criteria: LabCorp Variant Classification Summary - May 2015. Collection method: clinical testing. Allele origin: germline.
Comment: Variant summary: IFIH1 c.2223T>A (p.Asn741Lys) results in a non-conservative amino acid change in the encoded protein sequence. Algorithms developed to predict the effect of missense changes on protein structure and function are either unavailable or do not agree on the potential impact of this missense change. The variant allele was found at a frequency of 4e-06 in 251220 control chromosomes. The available data on variant occurrences in the general population are insufficient to allow any conclusion about variant significance. To our knowledge, no occurrence of c.2223T>A in individuals affected with IFIH1-related conditions and no experimental evidence demonstrating its impact on protein function have been reported. ClinVar contains an entry for this variant (Variation ID: 2922902). Based on the evidence outlined above, the variant was classified as uncertain significance.

Labcorp Genetics (formerly Invitae), Labcorp
Classification: Uncertain significance for Aicardi-Goutieres syndrome 7; Singleton-Merten syndrome 1. Last evaluated: 2024-10-16. Review status: criteria provided, single submitter. Criteria: Invitae Variant Classification Sherloc (09022015). Collection method: clinical testing. Allele origin: germline.
Comment: This sequence change replaces asparagine, which is neutral and polar, with lysine, which is basic and polar, at codon 741 of the IFIH1 protein (p.Asn741Lys). This variant is present in population databases (rs373758432, gnomAD 0.0009%). This variant has not been reported in the literature in individuals affected with IFIH1-related conditions. Invitae Evidence Modeling of protein sequence and biophysical properties (such as structural, functional, and spatial information, amino acid conservation, physicochemical variation, residue mobility, and thermodynamic stability) has been performed for this missense variant. However, the output from this modeling did not meet the statistical confidence thresholds required to predict the impact of this variant on IFIH1 protein function. In summary, the available evidence is currently insufficient to determine the role of this variant in disease. Therefore, it has been classified as a Variant of Uncertain Significance.

NM_022168.4(IFIH1):c.2223T>A (p.Asn741Lys)

Gene: IFIH1 (interferon induced with helicase C domain 1; minus strand). Cytogenetic location: 2q24.2.
Variant type: single nucleotide variant.
Coding change: c.2223T>A on transcript NM_022168.4 (MANE Select); coding-DNA position 2223, T replaced by A.
Protein change: p.Asn741Lys; replaces asparagine 741 with lysine.
Molecular consequence: missense variant.
Genome position (GRCh38, 1-based): chr2:162,276,768, A>T on the plus strand (T>A on the coding strand, the complement: IFIH1 is on the minus strand). VCF-style: chr2-162276768-A-T. GRCh37 (hg19) VCF-style: chr2-163133278-A-T.
Other names: short protein forms N741K.
Identifiers: ClinVar variation 2922902 (VCV002922902.4), dbSNP rs373758432, ClinGen allele CA59660326.